The following is an entry in ClinVar:

ClinVar aggregate classification (germline): Uncertain significance (1 of 4 stars; one submission).

Conditions:
CHARGE syndrome (CHARGE). Also called: Hittner Hirsch Kreh syndrome; CHARGE ASSOCIATION--COLOBOMA, HEART ANOMALY, CHOANAL ATRESIA, RETARDATION, GENITAL AND EAR ANOMALIES; Coloboma, heart anomaly, choanal atresia, retardation, genital and ear anomalies; CHARGE association; Hall-Hittner syndrome. Identifiers: Orphanet 138, MedGen C0265354, MONDO:0008965.

gnomAD v4.1: 3 of 1,609,010 alleles (0.00019%); highest among the groups gnomAD compares: Non-Finnish European, 0.00025%; no homozygotes.

Submission:

Labcorp Genetics (formerly Invitae), Labcorp
Classification: Uncertain significance for CHARGE syndrome. Last evaluated: 2024-11-12. Review status: criteria provided, single submitter. Criteria: Invitae Variant Classification Sherloc (09022015). Collection method: clinical testing. Allele origin: germline.
Comment: This sequence change replaces proline, which is neutral and non-polar, with leucine, which is neutral and non-polar, at codon 154 of the SEMA3E protein (p.Pro154Leu). This variant is present in population databases (rs766275559, gnomAD 0.003%). This variant has not been reported in the literature in individuals affected with SEMA3E-related conditions. ClinVar contains an entry for this variant (Variation ID: 2146345). An algorithm developed to predict the effect of missense changes on protein structure and function (PolyPhen-2) suggests that this variant is likely to be tolerated. In summary, the available evidence is currently insufficient to determine the role of this variant in disease. Therefore, it has been classified as a Variant of Uncertain Significance.

NM_012431.3(SEMA3E):c.461C>T (p.Pro154Leu)

Gene: SEMA3E (semaphorin 3E; minus strand). Cytogenetic location: 7q21.11.
Variant type: single nucleotide variant.
Coding change: c.461C>T on transcript NM_012431.3 (MANE Select); coding-DNA position 461, C replaced by T.
Protein change: p.Pro154Leu; replaces proline 154 with leucine.
Molecular consequence: missense variant.
Genome position (GRCh38, 1-based): chr7:83,418,479, G>A on the plus strand (C>T on the coding strand, the complement: SEMA3E is on the minus strand). VCF-style: chr7-83418479-G-A. GRCh37 (hg19) VCF-style: chr7-83047795-G-A.
Other names: c.281C>T, p.Pro94Leu (NM_001178129.2); short protein forms P94L, P154L.
Identifiers: ClinVar variation 2146345 (VCV002146345.4), dbSNP rs766275559, ClinGen allele CA4322325.